The following is an entry in ClinVar:

ClinVar aggregate classification (germline): Uncertain significance (1 of 4 stars; one submission).

Submission:

GeneDx
Classification: Uncertain significance. Last evaluated: 2022-05-02. Review status: criteria provided, single submitter. Criteria: GeneDx Variant Classification Process June 2021. Collection method: clinical testing. Allele origin: germline. Affected: yes.
Comment: Has not been previously published as pathogenic or benign to our knowledge; Not observed at significant frequency in large population cohorts (gnomAD); In silico analysis supports that this missense variant does not alter protein structure/function

NM_017617.5(NOTCH1):c.6512A>T (p.Lys2171Met)

Gene: NOTCH1 (notch receptor 1; minus strand). Cytogenetic location: 9q34.3.
Variant type: single nucleotide variant.
Coding change: c.6512A>T on transcript NM_017617.5 (MANE Select); coding-DNA position 6512, A replaced by T.
Protein change: p.Lys2171Met; replaces lysine 2171 with methionine.
Molecular consequence: missense variant.
Genome position (GRCh38, 1-based): chr9:136,497,227, T>A on the plus strand (A>T on the coding strand, the complement: NOTCH1 is on the minus strand). VCF-style: chr9-136497227-T-A. GRCh37 (hg19) VCF-style: chr9-139391679-T-A.
Other names: short protein forms K2171M.
Identifiers: ClinVar variation 1722830 (VCV001722830.2), dbSNP rs2540422336, ClinGen allele CA375631453.